The following is an entry in ClinVar:

NM_000295.5(SERPINA1):c.207C>T (p.Ser69=)

Gene: SERPINA1 (serpin family A member 1; minus strand). Cytogenetic location: 14q32.13.
Variant type: single nucleotide variant.
Coding change: c.207C>T on transcript NM_000295.5 (MANE Select); coding-DNA position 207, C replaced by T.
Protein change: p.Ser69=; no amino-acid change (serine 69 retained).
Molecular consequence: synonymous variant.
Genome position (GRCh38, 1-based): chr14:94,383,031, G>A on the plus strand (C>T on the coding strand, the complement: SERPINA1 is on the minus strand). VCF-style: chr14-94383031-G-A. GRCh37 (hg19) VCF-style: chr14-94849368-G-A.
Other names: c.207C>T, p.Ser69= (NM_001002235.3, NM_001002236.3, NM_001127700.2 and 7 more transcripts).
Identifiers: ClinVar variation 706349 (VCV000706349.10), dbSNP rs974200634, ClinGen allele CA265864176.
Genomic context (GRCh38, chr14:94,383,031, plus strand): 5'-GGAGAGCATTGCAAAGGCTGTAGCGATGCTCACTGGGGAGAAGAAGATATTGGTGCTGTT[G>A]GACTGGTGTGCCAGCTGGCGGTATAGGCTGAAGGCGAACTCAGCCAGGTTGGGGGTGATC-3'
Protein context (NP_000286.3, residues 59-79): FSLYRQLAHQ[Ser69=]NSTNIFFSPV

ClinVar aggregate classification (germline): Conflicting classifications of pathogenicity. Review status: criteria provided, conflicting classifications (1 of 4 stars). 2 submissions from 2 submitters: Uncertain significance (1); Likely benign (1). Last evaluated 2025-10-21.

Conditions:
Alpha-1-antitrypsin deficiency (A1ATD). Also called: AAT deficiency; A1AT deficiency; Alpha1-Antitrypsin Deficiency. Identifiers: Orphanet 60, MedGen C0221757, MONDO:0013282, OMIM 613490.
SERPINA1-related disorder. Also called: SerpinA1-related disorders; SERPINA1-related condition.

Allele frequency attached by ClinVar (database versions not stated): gnomAD exomes below 0.00001; TOPMed below 0.00001; gnomAD 0.00001.
gnomAD v4.1: 2 of 1,612,546 alleles (0.00012%); highest among the groups gnomAD compares: East Asian, 0.0022%; no homozygotes.

Submissions (2):

Labcorp Genetics (formerly Invitae), Labcorp
Classification: Likely benign for Alpha-1-antitrypsin deficiency. Last evaluated: 2025-10-21. Review status: criteria provided, single submitter. Criteria: Invitae Variant Classification Sherloc (09022015). Collection method: clinical testing. Allele origin: germline.

PreventionGenetics, part of Exact Sciences
Classification: Uncertain significance for SERPINA1-related condition. Last evaluated: 2025-09-14. Review status: criteria provided, single submitter. Criteria: ACMG Guidelines, 2015. Collection method: clinical testing. Allele origin: germline.
Comment: The SERPINA1 c.207C>T variant is not predicted to result in an amino acid change (p.=). This variant is predicted to alter splicing based on available splicing prediction programs (SpliceAI, Jaganathan et al. 2019. PubMed ID: 30661751). However, such computer prediction programs are imperfect. To our knowledge, this variant has not been reported in the literature. This variant is reported in 0.011% of alleles in individuals of African descent in gnomAD. At this time, the clinical significance of this variant is uncertain due to the absence of conclusive functional and genetic evidence.